The following is an entry in ClinVar:

ClinVar aggregate classification (germline): Conflicting classifications of pathogenicity. Review status: criteria provided, conflicting classifications (1 of 4 stars). 7 submissions from 6 submitters: Uncertain significance (6); Likely benign (1). Last evaluated 2026-09-15.

Conditions:
Aortic valve disease 1 (AOVD1). Identifiers: MedGen C3887892, MONDO:0024523, OMIM 109730.
Familial thoracic aortic aneurysm and aortic dissection (TAAD). Also called: Thoracic aortic aneurysms and dissections. Identifiers: Orphanet 91387, MedGen C4707243, MONDO:0019625.
Adams-Oliver syndrome 5 (AOS5). Identifiers: Orphanet 974, MedGen C4014970, MONDO:0014459, OMIM 616028.

Submissions (7):

GeneDx
Classification: Uncertain significance. Last evaluated: 2026-09-15. Review status: criteria provided, single submitter. Criteria: GeneDx Variant Classification Process June 2021. Collection method: clinical testing. Allele origin: germline.
Comment: Identified in a patient with familial thoracic aortic aneurysm and dissection (TAAD) in published literature; however, detailed clinical information was not provided (PMID: 32748548); In silico analysis supports a deleterious effect on protein structure/function; In-frame deletion of 1 amino acid in a non-repeat region; This variant is associated with the following publications: (PMID: 34687117, 32748548)

Labcorp Genetics (formerly Invitae), Labcorp
Classification: Uncertain significance for Adams-Oliver syndrome 5. Last evaluated: 2025-12-30. Review status: criteria provided, single submitter. Criteria: Invitae Variant Classification Sherloc (09022015). Collection method: clinical testing. Allele origin: germline.
Comment: This variant, c.2523_2525del, results in the deletion of 1 amino acid(s) of the NOTCH1 protein (p.Gly842del), but otherwise preserves the integrity of the reading frame. This variant is present in population databases (rs754554370, gnomAD 0.007%). This variant has not been reported in the literature in individuals affected with NOTCH1-related conditions. ClinVar contains an entry for this variant (Variation ID: 854581). Experimental studies and prediction algorithms are not available or were not evaluated, and the functional significance of this variant is currently unknown. In summary, the available evidence is currently insufficient to determine the role of this variant in disease. Therefore, it has been classified as a Variant of Uncertain Significance.

Ambry Genetics
Classification: Uncertain significance for Familial thoracic aortic aneurysm and aortic dissection. Last evaluated: 2024-08-14. Review status: criteria provided, single submitter. Criteria: Ambry Variant Classification Scheme 2023. Collection method: clinical testing. Allele origin: germline.
Comment: The c.2523_2525delCGG variant (also known as p.G842del) is located in coding exon 16 of the NOTCH1 gene. This variant results from an in-frame CGG deletion at nucleotide positions 2523 to 2525. This results in the in-frame deletion of a glycine at codon 842. This amino acid position is highly conserved in available vertebrate species. In addition, this alteration is predicted to be deleterious by in silico analysis (Choi Y et al. PLoS ONE. 2012; 7(10):e46688). Based on the available evidence, the clinical significance of this variant remains unclear.

ARUP Laboratories, Molecular Genetics and Genomics, ARUP Laboratories
Classification: Uncertain significance. Last evaluated: 2024-07-03. Review status: criteria provided, single submitter. Criteria: ARUP Molecular Germline Variant Investigation Process 2024. Collection method: clinical testing. Allele origin: germline.
Comment: The NOTCH1 c.2523_2525del; p.Gly842del variant (rs754554370) is reported in the literature in a cohort of individuals affected with heritable thoracic aortic disease and bicuspid aortic valve, although it was not demonstrated to be disease-causing (Musfee 2020). This variant is found in the general population with an overall allele frequency of 0.005% (13/247,298 alleles) in the Genome Aggregation Database (v2.1.1). This variant deletes a single glycine residue leaving the rest of the protein in-frame. Due to limited information, the clinical significance of the p.Gly842del variant is uncertain at this time. References: Musfee FI et al. Rare deleterious variants of NOTCH1, GATA4, SMAD6, and ROBO4 are enriched in BAV with early onset complications but not in BAV with heritable thoracic aortic disease. Mol Genet Genomic Med. 2020 Oct;8(10):e1406. PMID: 32748548.

Blueprint Genetics
Classification: Likely benign. Last evaluated: 2022-08-22. Review status: criteria provided, single submitter. Criteria: ACMG Guidelines, 2015. Collection method: clinical testing. Allele origin: germline.

Genome-Nilou Lab
Classification: Uncertain significance for Adams-Oliver syndrome 5. Last evaluated: 2022-03-15. Review status: criteria provided, single submitter. Criteria: ACMG Guidelines, 2015. Collection method: clinical testing. Allele origin: germline. Affected: no.

Genome-Nilou Lab
Classification: Uncertain significance for Aortic valve disease 1. Last evaluated: 2022-03-15. Review status: criteria provided, single submitter. Criteria: ACMG Guidelines, 2015. Collection method: clinical testing. Allele origin: germline. Affected: no.

NM_017617.5(NOTCH1):c.2520CGG[1] (p.Gly842del)

Gene: NOTCH1 (notch receptor 1; minus strand). Cytogenetic location: 9q34.3.
Variant type: Microsatellite.
Coding change: c.2520CGG[1] on transcript NM_017617.5 (MANE Select); one copy of the 3-base unit CGG starting at c.2520; the reference has two copies in a row; one copy, 3 bases deleted.
Protein change: p.Gly842del; deletes glycine 842.
Molecular consequence: inframe deletion.
Genome position (GRCh38, 1-based): chr9:136,511,214-136,511,216, CCG deleted on the plus strand (CGG on the coding strand, the reverse complement: NOTCH1 is on the minus strand); deleting any 3 consecutive bases within chr9:136,511,214-136,511,219 gives the same sequence; the position shown is the placement nearest the transcript's 3' end. VCF-style (leftmost placement, unchanged base first): chr9-136511213-CCCG-C. GRCh37 (hg19) VCF-style: chr9-139405665-CCCG-C.
Other names: c.2523_2525delCGG (NM_017617.3); short protein forms G842del.
Identifiers: ClinVar variation 854581 (VCV000854581.18), dbSNP rs754554370, ClinGen allele CA5341278.